The following is an entry in ClinVar:

NM_004994.3(MMP9):c.956A>G (p.Asn319Ser)

Gene: MMP9 (matrix metallopeptidase 9; plus strand). Cytogenetic location: 20q13.12.
Variant type: single nucleotide variant.
Coding change: c.956A>G on transcript NM_004994.3 (MANE Select); coding-DNA position 956, A replaced by G.
Protein change: p.Asn319Ser; replaces asparagine 319 with serine.
Molecular consequence: missense variant.
Genome position (GRCh38, 1-based): chr20:46,011,706, A>G. VCF-style: chr20-46011706-A-G. GRCh37 (hg19) VCF-style: chr20-44640345-A-G.
Other names: short protein forms N319S.
Identifiers: ClinVar variation 2819897 (VCV002819897.3), dbSNP rs1284222372, ClinGen allele CA409215411.

ClinVar aggregate classification (germline): Uncertain significance (1 of 4 stars; one submission).

Allele frequency attached by ClinVar (database versions not stated): gnomAD exomes below 0.00001.
gnomAD v4.1: 1 of 1,613,844 alleles (0.000062%); highest among the groups gnomAD compares: South Asian, 0.0011%; no homozygotes.

Submission:

Labcorp Genetics (formerly Invitae), Labcorp
Classification: Uncertain significance. Last evaluated: 2023-01-16. Review status: criteria provided, single submitter. Criteria: Invitae Variant Classification Sherloc (09022015). Collection method: clinical testing. Allele origin: germline.
Comment: This sequence change replaces asparagine, which is neutral and polar, with serine, which is neutral and polar, at codon 319 of the MMP9 protein (p.Asn319Ser). This variant is not present in population databases (gnomAD no frequency). This variant has not been reported in the literature in individuals affected with MMP9-related conditions. Advanced modeling of protein sequence and biophysical properties (such as structural, functional, and spatial information, amino acid conservation, physicochemical variation, residue mobility, and thermodynamic stability) performed at Invitae indicates that this missense variant is not expected to disrupt MMP9 protein function. In summary, the available evidence is currently insufficient to determine the role of this variant in disease. Therefore, it has been classified as a Variant of Uncertain Significance.